The following is an entry in ClinVar:

ClinVar aggregate classification (germline): Uncertain significance. Review status: criteria provided, multiple submitters, no conflicts (2 of 4 stars). 2 submissions from 2 submitters: Uncertain significance (2). Last evaluated 2022-07-06.

Conditions:
Cone-rod dystrophy 9 (CORD9). Identifiers: Orphanet 1872, MedGen C1423873, MONDO:0013002, OMIM 612775.

Allele frequency attached by ClinVar (database versions not stated): gnomAD exomes below 0.00001 and 0.00001; ExAC 0.00001; gnomAD 0.00001; TOPMed 0.00001.
gnomAD v4.1: 10 of 1,613,594 alleles (0.00062%); highest among the groups gnomAD compares: Admixed American, 0.0017%; no homozygotes.

Submissions (2):

Labcorp Genetics (formerly Invitae), Labcorp
Classification: Uncertain significance. Last evaluated: 2022-07-06. Review status: criteria provided, single submitter. Criteria: Invitae Variant Classification Sherloc (09022015). Collection method: clinical testing. Allele origin: germline.
Comment: In summary, the available evidence is currently insufficient to determine the role of this variant in disease. Therefore, it has been classified as a Variant of Uncertain Significance. Algorithms developed to predict the effect of missense changes on protein structure and function are either unavailable or do not agree on the potential impact of this missense change (SIFT: "Deleterious"; PolyPhen-2: "Probably Damaging"; Align-GVGD: "Class C0"). ClinVar contains an entry for this variant (Variation ID: 362934). This variant has not been reported in the literature in individuals affected with ADAM9-related conditions. This variant is present in population databases (rs769316562, gnomAD 0.003%). This sequence change replaces alanine, which is neutral and non-polar, with threonine, which is neutral and polar, at codon 510 of the ADAM9 protein (p.Ala510Thr).

Illumina Laboratory Services, Illumina
Classification: Uncertain significance for Cone-rod dystrophy 9. Last evaluated: 2018-01-12. Review status: criteria provided, single submitter. Criteria: ICSL Variant Classification Criteria 13 December 2019. Collection method: clinical testing. Allele origin: germline.

NM_003816.3(ADAM9):c.1528G>A (p.Ala510Thr)

Gene: ADAM9 (ADAM metallopeptidase domain 9; plus strand). Cytogenetic location: 8p11.22.
Variant type: single nucleotide variant.
Coding change: c.1528G>A on transcript NM_003816.3 (MANE Select); coding-DNA position 1528, G replaced by A.
Protein change: p.Ala510Thr; replaces alanine 510 with threonine.
Molecular consequence: missense variant. On other transcripts: non-coding transcript variant (3).
Genome position (GRCh38, 1-based): chr8:39,055,709, G>A. VCF-style: chr8-39055709-G-A. GRCh37 (hg19) VCF-style: chr8-38913228-G-A.
Other names: short protein forms A510T.
Identifiers: ClinVar variation 362934 (VCV000362934.10), dbSNP rs769316562, ClinGen allele CA4721638.